The following is an entry in ClinVar:

ClinVar aggregate classification (germline): Pathogenic. Review status: criteria provided, multiple submitters, no conflicts (2 of 4 stars). 2 submissions from 2 submitters: Pathogenic (2). Last evaluated 2024-02-12.

Conditions:
Hereditary spherocytosis type 1. Also called: Spherocytosis type 1; ANK1-Related Spherocytosis. Identifiers: Orphanet 822, MedGen C2674218, MONDO:0008447, OMIM 182900.

Submissions (2):

Department of Pediatrics, Duzce University
Classification: Pathogenic for Hereditary spherocytosis type 1. Last evaluated: 2024-02-12. Review status: criteria provided, single submitter. Criteria: ACMG Guidelines, 2015. Collection method: research. Allele origin: germline. Inheritance: Autosomal dominant inheritance. Affected: yes.
Comment: Nonsense variant predicted to introduce a premature stop codon and loss of function via nonsense-mediated decay; loss of function is an established mechanism for autosomal dominant hereditary spherocytosis in ANK1 (Wang et al., Ann Hematol 2025; DOI 10.1007/s00277-025-06408-9) (PVS1). Rare/absent in population databases (PM2_supporting); observed in hereditary spherocytosis (PS4_supporting). Applied ACMG/AMP criteria: PVS1, PM2_supporting, PS4_supporting. Classification: Pathogenic.

Labcorp Genetics (formerly Invitae), Labcorp
Classification: Pathogenic. Last evaluated: 2022-04-10. Review status: criteria provided, single submitter. Criteria: Invitae Variant Classification Sherloc (09022015). Collection method: clinical testing. Allele origin: germline.
Comment: For these reasons, this variant has been classified as Pathogenic. This variant has not been reported in the literature in individuals affected with ANK1-related conditions. This variant is not present in population databases (gnomAD no frequency). This sequence change creates a premature translational stop signal (p.Gln1446*) in the ANK1 gene. It is expected to result in an absent or disrupted protein product. Loss-of-function variants in ANK1 are known to be pathogenic (PMID: 8640229).

Literature cited by the submitters: PubMed 40457051 (cited by Department of Pediatrics, Duzce University); PubMed 8640229 (cited by Labcorp Genetics (formerly Invitae), Labcorp).

NM_000037.4(ANK1):c.4336C>T (p.Gln1446Ter)

Gene: ANK1 (ankyrin 1; minus strand). Cytogenetic location: 8p11.21.
Variant type: single nucleotide variant.
Coding change: c.4336C>T on transcript NM_000037.4 (MANE Select); coding-DNA position 4336, C replaced by T.
Protein change: p.Gln1446Ter; replaces glutamine 1446 with a stop codon.
Molecular consequence: nonsense.
Genome position (GRCh38, 1-based): chr8:41,686,206, G>A on the plus strand (C>T on the coding strand, the complement: ANK1 is on the minus strand). VCF-style: chr8-41686206-G-A. GRCh37 (hg19) VCF-style: chr8-41543724-G-A.
Other names: p.(Gln1446Ter); c.4459C>T, p.Gln1487Ter (NM_001142446.2); c.4336C>T, p.Gln1446Ter (NM_020475.3, NM_020476.3, NM_020477.3); short protein forms Q1446*, Q1487*.
Identifiers: ClinVar variation 2124115 (VCV002124115.5), dbSNP rs2486728869, ClinGen allele CA371057412.